The following is an entry in ClinVar:

NM_002951.5(RPN2):c.286G>C (p.Ala96Pro)

Gene: RPN2 (ribophorin II; plus strand). Cytogenetic location: 20q11.23.
Variant type: single nucleotide variant.
Coding change: c.286G>C on transcript NM_002951.5 (MANE Select); coding-DNA position 286, G replaced by C.
Protein change: p.Ala96Pro; replaces alanine 96 with proline.
Molecular consequence: missense variant. On other transcripts: intron variant (2).
Genome position (GRCh38, 1-based): chr20:37,198,475, G>C. VCF-style: chr20-37198475-G-C. GRCh37 (hg19) VCF-style: chr20-35826878-G-C.
Other names: c.286G>C, p.Ala96Pro (NM_001324299.2, NM_001324301.2, NM_001324302.2 and 3 more transcripts); c.208-575G>C (NM_001135771.3); c.9-5410G>C (NM_001324306.2); short protein forms A96P.
Identifiers: ClinVar variation 834410 (VCV000834410.1), dbSNP rs755624455, ClinGen allele CA9846804.

ClinVar aggregate classification (germline): Uncertain significance (1 of 4 stars; one submission).

Conditions:
Congenital disorder of glycosylation (CDG). Also called: Congenital disorders of glycosylation; Carbohydrate-deficient glycoprotein syndrome. Identifiers: Orphanet 137, MedGen C0282577, MONDO:0015286.

Allele frequency attached by ClinVar (database versions not stated): TOPMed below 0.00001; ExAC 0.00001; gnomAD 0.00001; gnomAD exomes 0.00001.
gnomAD v4.1: 9 of 1,614,062 alleles (0.00056%); highest among the groups gnomAD compares: Non-Finnish European, 0.00076%; no homozygotes.

Submission:

Labcorp Genetics (formerly Invitae), Labcorp
Classification: Uncertain significance for Congenital disorder of glycosylation. Last evaluated: 2019-01-23. Review status: criteria provided, single submitter. Criteria: Invitae Variant Classification Sherloc (09022015). Collection method: clinical testing. Allele origin: germline.
Comment: This sequence change replaces alanine with proline at codon 96 of the RPN2 protein (p.Ala96Pro). The alanine residue is moderately conserved and there is a small physicochemical difference between alanine and proline. This variant is present in population databases (rs755624455, ExAC 0.002%). This variant has not been reported in the literature in individuals with RPN2-related conditions. Algorithms developed to predict the effect of missense changes on protein structure and function are either unavailable or do not agree on the potential impact of this missense change (SIFT: "Tolerated"; PolyPhen-2: "Possibly Damaging"; Align-GVGD: "Class C0"). In summary, the available evidence is currently insufficient to determine the role of this variant in disease. Therefore, it has been classified as a Variant of Uncertain Significance.